The following is an entry in ClinVar:

ClinVar aggregate classification (germline): Uncertain significance (1 of 4 stars; one submission).

Conditions:
Charcot-Marie-Tooth disease type 4. Also called: Charcot-Marie-Tooth, Type 4; Charcot-Marie-Tooth disease, type IV. Identifiers: Orphanet 64749, MedGen C4082197, MONDO:0018995.

Allele frequency attached by ClinVar (database versions not stated): ExAC 0.00001; gnomAD exomes 0.00002.
gnomAD v4.1: 27 of 1,607,958 alleles (0.0017%); highest among the groups gnomAD compares: South Asian, 0.019%; no homozygotes.

Submission:

Labcorp Genetics (formerly Invitae), Labcorp
Classification: Uncertain significance for Charcot-Marie-Tooth disease type 4. Last evaluated: 2019-05-31. Review status: criteria provided, single submitter. Criteria: Invitae Variant Classification Sherloc (09022015). Collection method: clinical testing. Allele origin: germline.
Comment: This sequence change replaces alanine with valine at codon 1233 of the PRX protein (p.Ala1233Val). The alanine residue is weakly conserved and there is a small physicochemical difference between alanine and valine. In summary, the available evidence is currently insufficient to determine the role of this variant in disease. Therefore, it has been classified as a Variant of Uncertain Significance. Algorithms developed to predict the effect of sequence changes on RNA splicing suggest that this variant may create or strengthen a splice site, but this prediction has not been confirmed by published transcriptional studies. Algorithms developed to predict the effect of missense changes on protein structure and function output the following: SIFT: "Tolerated"; PolyPhen-2: "Possibly Damaging"; Align-GVGD: "Class C0". The valine amino acid residue is found in multiple mammalian species, suggesting that this missense change does not adversely affect protein function. These predictions have not been confirmed by published functional studies and their clinical significance is uncertain. This variant has not been reported in the literature in individuals with PRX-related conditions. This variant is present in population databases (rs767851512, ExAC 0.006%).

NM_181882.3(PRX):c.3698C>T (p.Ala1233Val)

Gene: PRX (periaxin; minus strand). Cytogenetic location: 19q13.2.
Variant type: single nucleotide variant.
Coding change: c.3698C>T on transcript NM_181882.3 (MANE Select); coding-DNA position 3698, C replaced by T.
Protein change: p.Ala1233Val; replaces alanine 1233 with valine.
Molecular consequence: missense variant. On other transcripts: 3 prime UTR variant (1).
Genome position (GRCh38, 1-based): chr19:40,394,654, G>A on the plus strand (C>T on the coding strand, the complement: PRX is on the minus strand). VCF-style: chr19-40394654-G-A. GRCh37 (hg19) VCF-style: chr19-40900561-G-A.
Other names: c.*3903C>T (NM_020956.2); short protein forms A1233V.
Identifiers: ClinVar variation 947833 (VCV000947833.9), dbSNP rs767851512, ClinGen allele CA9443807.